The following is an entry in ClinVar:

ClinVar aggregate classification (germline): Uncertain significance. Review status: criteria provided, multiple submitters, no conflicts (2 of 4 stars). 3 submissions from 3 submitters: Uncertain significance (3). Last evaluated 2026-06-01.

Conditions:
Complement component 3 deficiency. Identifiers: Orphanet 280133, MedGen C3151071, MONDO:0013417, OMIM 613779.
Age related macular degeneration 9. Identifiers: MedGen C1969651, MONDO:0012659, OMIM 611378.
Atypical hemolytic-uremic syndrome with C3 anomaly. Also called: AHUS, SUSCEPTIBILITY TO, 5. Identifiers: Orphanet 2134, MedGen C2752037, MONDO:0013043, OMIM 612925.

Allele frequency attached by ClinVar (database versions not stated): gnomAD exomes below 0.00001; TOPMed 0.00001; gnomAD 0.00004; 1000 Genomes Project 30x 0.00016; 1000 Genomes Project 0.00020.
gnomAD v4.1: 19 of 1,613,840 alleles (0.0012%); highest among the groups gnomAD compares: African/African-American, 0.0093%; no homozygotes.

Submissions (3):

CeGaT Center for Human Genetics Tuebingen
Classification: Uncertain significance. Last evaluated: 2026-06-01. Review status: criteria provided, single submitter. Criteria: CeGaT Center For Human Genetics Tuebingen Variant Classification Criteria Version 2. Collection method: clinical testing. Allele origin: germline. Affected: yes. Observed: 1 variant allele.
Comment: C3: PP2, BP4

Labcorp Genetics (formerly Invitae), Labcorp
Classification: Uncertain significance. Last evaluated: 2024-10-28. Review status: criteria provided, single submitter. Criteria: Invitae Variant Classification Sherloc (09022015). Collection method: clinical testing. Allele origin: germline.
Comment: This sequence change replaces arginine, which is basic and polar, with tryptophan, which is neutral and slightly polar, at codon 573 of the C3 protein (p.Arg573Trp). This variant is not present in population databases (gnomAD no frequency). This variant has not been reported in the literature in individuals affected with C3-related conditions. ClinVar contains an entry for this variant (Variation ID: 1378200). An algorithm developed to predict the effect of missense changes on protein structure and function (PolyPhen-2) suggests that this variant is likely to be disruptive. In summary, the available evidence is currently insufficient to determine the role of this variant in disease. Therefore, it has been classified as a Variant of Uncertain Significance.

Fulgent Genetics
Classification: Uncertain significance for Age related macular degeneration 9; Atypical hemolytic-uremic syndrome with C3 anomaly; Complement component 3 deficiency. Last evaluated: 2024-04-15. Review status: criteria provided, single submitter. Criteria: ACMG Guidelines, 2015. Collection method: clinical testing. Allele origin: germline.

NM_000064.4(C3):c.1717C>T (p.Arg573Trp)

Gene: C3 (complement C3; minus strand). Cytogenetic location: 19p13.3.
Variant type: single nucleotide variant.
Coding change: c.1717C>T on transcript NM_000064.4 (MANE Select); coding-DNA position 1717, C replaced by T.
Protein change: p.Arg573Trp; replaces arginine 573 with tryptophan.
Molecular consequence: missense variant.
Genome position (GRCh38, 1-based): chr19:6,709,812, G>A on the plus strand (C>T on the coding strand, the complement: C3 is on the minus strand). VCF-style: chr19-6709812-G-A. GRCh37 (hg19) VCF-style: chr19-6709823-G-A.
Other names: short protein forms R573W.
Identifiers: ClinVar variation 1378200 (VCV001378200.9), dbSNP rs539270017, ClinGen allele CA304794584.